The following is an entry in ClinVar:

NM_004380.3(CREBBP):c.6517A>G (p.Ile2173Val)

Gene: CREBBP (CREB binding lysine acetyltransferase; minus strand). Cytogenetic location: 16p13.3.
Variant type: single nucleotide variant.
Coding change: c.6517A>G on transcript NM_004380.3 (MANE Select); coding-DNA position 6517, A replaced by G.
Protein change: p.Ile2173Val; replaces isoleucine 2173 with valine.
Molecular consequence: missense variant.
Genome position (GRCh38, 1-based): chr16:3,728,530, T>C on the plus strand (A>G on the coding strand, the complement: CREBBP is on the minus strand). VCF-style: chr16-3728530-T-C. GRCh37 (hg19) VCF-style: chr16-3778531-T-C.
Other names: c.6403A>G, p.Ile2135Val (NM_001079846.1); short protein forms I2135V, I2173V.
Identifiers: ClinVar variation 1922560 (VCV001922560.5), dbSNP rs2051814783, ClinGen allele CA394552542.

ClinVar aggregate classification (germline): Uncertain significance (1 of 4 stars; one submission).

Conditions:
Rubinstein-Taybi syndrome (RSTS). Identifiers: Orphanet 783, MedGen C0035934, MONDO:0019188.

Submission:

Labcorp Genetics (formerly Invitae), Labcorp
Classification: Uncertain significance for Rubinstein-Taybi syndrome. Last evaluated: 2022-03-04. Review status: criteria provided, single submitter. Criteria: Invitae Variant Classification Sherloc (09022015). Collection method: clinical testing. Allele origin: germline.
Comment: This sequence change replaces isoleucine, which is neutral and non-polar, with valine, which is neutral and non-polar, at codon 2173 of the CREBBP protein (p.Ile2173Val). This variant is not present in population databases (gnomAD no frequency). This variant has not been reported in the literature in individuals affected with CREBBP-related conditions. Advanced modeling of protein sequence and biophysical properties (such as structural, functional, and spatial information, amino acid conservation, physicochemical variation, residue mobility, and thermodynamic stability) performed at Invitae indicates that this missense variant is not expected to disrupt CREBBP protein function. In summary, the available evidence is currently insufficient to determine the role of this variant in disease. Therefore, it has been classified as a Variant of Uncertain Significance.